The following is an entry in ClinVar:

ClinVar aggregate classification (germline): Uncertain significance (1 of 4 stars; one submission).

gnomAD v4.1: 2 of 1,614,214 alleles (0.00012%); highest among the groups gnomAD compares: Admixed American, 0.0033%; no homozygotes.

Submission:

Labcorp Genetics (formerly Invitae), Labcorp
Classification: Uncertain significance. Last evaluated: 2025-12-20. Review status: criteria provided, single submitter. Criteria: Invitae Variant Classification Sherloc (09022015). Collection method: clinical testing. Allele origin: germline.
Comment: This sequence change replaces aspartic acid, which is acidic and polar, with glycine, which is neutral and non-polar, at codon 243 of the REST protein (p.Asp243Gly). This variant is present in population databases (no rsID available, gnomAD 0.003%). This variant has not been reported in the literature in individuals affected with REST-related conditions. An algorithm developed to predict the effect of missense changes on protein structure and function (PolyPhen-2) suggests that this variant is likely to be tolerated. In summary, the available evidence is currently insufficient to determine the role of this variant in disease. Therefore, it has been classified as a Variant of Uncertain Significance.

NM_005612.5(REST):c.728A>G (p.Asp243Gly)

Gene: REST (RE1 silencing transcription factor; plus strand). Cytogenetic location: 4q12.
Variant type: single nucleotide variant.
Coding change: c.728A>G on transcript NM_005612.5 (MANE Select); coding-DNA position 728, A replaced by G.
Protein change: p.Asp243Gly; replaces aspartic acid 243 with glycine.
Molecular consequence: missense variant.
Genome position (GRCh38, 1-based): chr4:56,911,366, A>G. VCF-style: chr4-56911366-A-G. GRCh37 (hg19) VCF-style: chr4-57777532-A-G.
Other names: c.728A>G, p.Asp243Gly (NM_001193508.2, NM_001363453.3, NM_001440532.1 and 1 more transcripts); short protein forms D243G.
Identifiers: ClinVar variation 4750979 (VCV004750979.1).